The following is an entry in ClinVar:

NM_001165963.4(SCN1A):c.4428C>A (p.Asn1476Lys)

Genes: SCN1A (sodium voltage-gated channel alpha subunit 1; minus strand), LOC102724058 (uncharacterized LOC102724058; plus strand). Cytogenetic location: 2q24.3.
Variant type: single nucleotide variant.
Coding change: c.4428C>A on transcript NM_001165963.4 (MANE Select); coding-DNA position 4428, C replaced by A.
Protein change: p.Asn1476Lys; replaces asparagine 1476 with lysine.
Molecular consequence: missense variant. On other transcripts: non-coding transcript variant (1).
Genome position (GRCh38, 1-based): chr2:165,998,086, G>T on the plus strand (C>A on the coding strand, the complement: SCN1A is on the minus strand). VCF-style: chr2-165998086-G-T. GRCh37 (hg19) VCF-style: chr2-166854596-G-T.
Other names: c.4344C>A, p.Asn1448Lys (NM_001165964.3, NM_001353957.2, NM_001353958.2); c.4428C>A, p.Asn1476Lys (NM_001202435.3, NM_001353948.2); c.4395C>A, p.Asn1465Lys (NM_001353949.2, NM_001353950.2, NM_001353951.2 and 2 more transcripts); c.4392C>A, p.Asn1464Lys (NM_001353954.2, NM_001353955.2); c.4341C>A, p.Asn1447Lys (NM_001353960.2); c.1986C>A, p.Asn662Lys (NM_001353961.2); short protein forms N1448K, N1464K, N1476K, N1465K, N1447K, N662K.
Identifiers: ClinVar variation 801794 (VCV000801794.12), dbSNP rs1573984110, ClinGen allele CA349049307.
Genomic context (GRCh38, chr2:165,998,086, plus strand): 5'-AGAAATACTTATCTTCTTTTTCTGCTGGTTGAAATTATCTATGATGACACCAATAAACAG[G>T]TTCAAGGTGAAGAAGGACCCAAAGATGATGAAAATAACAAAGTAAAGATACATGTACAGA-3'
Protein context (NP_001159435.1, residues 1466-1486): FIIFGSFFTL[Asn1476Lys]LFIGVIIDNF

ClinVar aggregate classification (germline): Pathogenic. Review status: criteria provided, multiple submitters, no conflicts (2 of 4 stars). 2 submissions from 2 submitters: Pathogenic (2). Last evaluated 2024-02-10.

Conditions:
Severe myoclonic epilepsy in infancy (DRVT). Also called: DEVELOPMENTAL AND EPILEPTIC ENCEPHALOPATHY 6A; Severe Myoclonic Epilepsy in Infancy (SMEI); Dravet syndrome; Epileptic encephalopathy, early infantile, 6 (Dravet syndrome); SEVERE MYOCLONIC EPILEPSY OF INFANCY. Identifiers: Orphanet 33069, MedGen C0751122, MONDO:0100135, OMIM 607208.
Early-infantile DEE. Also called: Early infantile epileptic encephalopathy; Ohtahara syndrome; Early infantile epileptic encephalopathy with suppression bursts. Identifiers: Orphanet 1934, MedGen C0393706, MONDO:0800491.

Submissions (2):

Labcorp Genetics (formerly Invitae), Labcorp
Classification: Pathogenic for Early-infantile DEE. Last evaluated: 2024-02-10. Review status: criteria provided, single submitter. Criteria: Invitae Variant Classification Sherloc (09022015). Collection method: clinical testing. Allele origin: germline.
Comment: This sequence change replaces asparagine, which is neutral and polar, with lysine, which is basic and polar, at codon 1476 of the SCN1A protein (p.Asn1476Lys). This variant is not present in population databases (gnomAD no frequency). This missense change has been observed in individual(s) with clinical features of Dravet syndrome (PMID: 21248271; Invitae). In at least one individual the variant was observed to be de novo. ClinVar contains an entry for this variant (Variation ID: 801794). Advanced modeling of protein sequence and biophysical properties (such as structural, functional, and spatial information, amino acid conservation, physicochemical variation, residue mobility, and thermodynamic stability) performed at Invitae indicates that this missense variant is expected to disrupt SCN1A protein function with a positive predictive value of 95%. For these reasons, this variant has been classified as Pathogenic.

Mendelics
Classification: Pathogenic for Severe myoclonic epilepsy in infancy. Last evaluated: 2019-05-28. Review status: criteria provided, single submitter. Criteria: Mendelics Assertion Criteria 2017. Collection method: clinical testing. Allele origin: unknown.

Literature cited by the submitters: PubMed 21248271 (cited by Labcorp Genetics (formerly Invitae), Labcorp).